The following is an entry in ClinVar:

NM_015295.3(SMCHD1):c.2411A>G (p.Tyr804Cys)

Gene: SMCHD1 (structural maintenance of chromosomes flexible hinge domain containing 1; plus strand). Cytogenetic location: 18p11.32.
Variant type: single nucleotide variant.
Coding change: c.2411A>G on transcript NM_015295.3 (MANE Select); coding-DNA position 2411, A replaced by G.
Protein change: p.Tyr804Cys; replaces tyrosine 804 with cysteine.
Molecular consequence: missense variant.
Genome position (GRCh38, 1-based): chr18:2,718,387, A>G. VCF-style: chr18-2718387-A-G. GRCh37 (hg19) VCF-style: chr18-2718385-A-G.
Other names: short protein forms Y804C.
Identifiers: ClinVar variation 4740341 (VCV004740341.1).
Genomic context (GRCh38, chr18:2,718,387, plus strand): 5'-AGTTGGGGAATTATACCTTGAAATTACAAGTTGTGTTGAATGAAAGTAATGCAGACACTT[A>G]TGCAGGAAGACCACTACCATCTAAAGCAATTAAGTTTTCTGTTAAAGGTAAGCAAAACAG-3'
Protein context (NP_056110.2, residues 794-814): VVLNESNADT[Tyr804Cys]AGRPLPSKAI

ClinVar aggregate classification (germline): Uncertain significance (1 of 4 stars; one submission).

Conditions:
Facioscapulohumeral muscular dystrophy 2 (FSHD2). Also called: MUSCULAR DYSTROPHY, FACIOSCAPULOHUMERAL, TYPE 1B; FACIOSCAPULOHUMERAL MUSCULAR DYSTROPHY 2, DIGENIC; FSHD2, DIGENIC. Identifiers: Orphanet 269, MedGen C1834671, MONDO:0008031, OMIM 158901.

Submission:

Labcorp Genetics (formerly Invitae), Labcorp
Classification: Uncertain significance for Facioscapulohumeral muscular dystrophy 2. Last evaluated: 2025-10-18. Review status: criteria provided, single submitter. Criteria: Invitae Variant Classification Sherloc (09022015). Collection method: clinical testing. Allele origin: germline.
Comment: This sequence change replaces tyrosine, which is neutral and polar, with cysteine, which is neutral and slightly polar, at codon 804 of the SMCHD1 protein (p.Tyr804Cys). This variant is not present in population databases (gnomAD no frequency). This variant has not been reported in the literature in individuals affected with SMCHD1-related conditions. Invitae Evidence Modeling of protein sequence and biophysical properties (such as structural, functional, and spatial information, amino acid conservation, physicochemical variation, residue mobility, and thermodynamic stability) indicates that this missense variant is not expected to disrupt SMCHD1 protein function with a negative predictive value of 80%. In summary, the available evidence is currently insufficient to determine the role of this variant in disease. Therefore, it has been classified as a Variant of Uncertain Significance.